The following is an entry in ClinVar:

ClinVar aggregate classification (germline): Uncertain significance. Review status: criteria provided, multiple submitters, no conflicts (2 of 4 stars). 2 submissions from 2 submitters: Uncertain significance (2). Last evaluated 2022-05-05.

Conditions:
Cone-rod dystrophy 6 (CORD6). Also called: Cone dystrophy progressive; RETINAL CONE DYSTROPHY 2. Identifiers: Orphanet 1872, MedGen C1866293, MONDO:0011143, OMIM 601777.
Leber congenital amaurosis 1 (LCA1). Also called: AMAUROSIS CONGENITA OF LEBER I; RETINAL BLINDNESS, CONGENITAL; Congenital absence of the rods and cones; Leber's congenital tapetoretinal degeneration; Leber's congenital tapetoretinal dysplasia. Identifiers: Orphanet 65, MedGen C2931258, MONDO:0008764, OMIM 204000.

Allele frequency attached by ClinVar (database versions not stated): gnomAD 0.00001; ExAC 0.00002; gnomAD exomes 0.00002; TOPMed 0.00003.
gnomAD v4.1: 22 of 1,613,252 alleles (0.0014%); highest among the groups gnomAD compares: African/African-American, 0.004%; no homozygotes.

Submissions (2):

Labcorp Genetics (formerly Invitae), Labcorp
Classification: Uncertain significance for Leber congenital amaurosis 1; Cone-rod dystrophy 6. Last evaluated: 2022-05-05. Review status: criteria provided, single submitter. Criteria: Invitae Variant Classification Sherloc (09022015). Collection method: clinical testing. Allele origin: germline.
Comment: This sequence change replaces arginine, which is basic and polar, with glutamine, which is neutral and polar, at codon 761 of the GUCY2D protein (p.Arg761Gln). This variant is present in population databases (rs764439180, gnomAD 0.008%). This missense change has been observed in individuals with clinical features of autosomal dominant cone-rod dystrophy (PMID: 23563732; Invitae). Algorithms developed to predict the effect of missense changes on protein structure and function output the following: SIFT: "Tolerated"; PolyPhen-2: "Benign"; Align-GVGD: "Class C0". The glutamine amino acid residue is found in multiple mammalian species, which suggests that this missense change does not adversely affect protein function. This variant disrupts the p.Arg761 amino acid residue in GUCY2D. Other variant(s) that disrupt this residue have been observed in individuals with GUCY2D-related conditions (PMID: 32821499), which suggests that this may be a clinically significant amino acid residue. In summary, the available evidence is currently insufficient to determine the role of this variant in disease. Therefore, it has been classified as a Variant of Uncertain Significance.

Blueprint Genetics
Classification: Uncertain significance. Last evaluated: 2021-10-22. Review status: criteria provided, single submitter. Criteria: ACMG Guidelines, 2015. Collection method: clinical testing. Allele origin: germline.

Literature cited by the submitters: PubMed 23563732 (cited by Labcorp Genetics (formerly Invitae), Labcorp); PubMed 32821499 (cited by Labcorp Genetics (formerly Invitae), Labcorp).

NM_000180.4(GUCY2D):c.2282G>A (p.Arg761Gln)

Gene: GUCY2D (guanylate cyclase 2D, retinal; plus strand). Cytogenetic location: 17p13.1.
Variant type: single nucleotide variant.
Coding change: c.2282G>A on transcript NM_000180.4 (MANE Select); coding-DNA position 2282, G replaced by A.
Protein change: p.Arg761Gln; replaces arginine 761 with glutamine.
Molecular consequence: missense variant.
Genome position (GRCh38, 1-based): chr17:8,013,898, G>A. VCF-style: chr17-8013898-G-A. GRCh37 (hg19) VCF-style: chr17-7917216-G-A.
Other names: short protein forms R761Q.
Identifiers: ClinVar variation 1395197 (VCV001395197.4), dbSNP rs764439180, ClinGen allele CA8366078.
Genomic context (GRCh38, chr17:8,013,898, plus strand): 5'-GTTCTGGGGGCACTCCCCCTCACTGTCCCCTCATGCCTCCAGAAGTGGTGCAGAGGGTGC[G>A]GAGCCCCCCTCCACTGTGTCGGCCCTTGGTGTCCATGGACCAGGCACCTGTCGAGTGTAT-3'
Protein context (NP_000171.1, residues 751-771): LTPEEVVQRV[Arg761Gln]SPPPLCRPLV